The following is an entry in ClinVar:

NM_003072.5(SMARCA4):c.4568A>G (p.Asn1523Ser)

Gene: SMARCA4 (SWI/SNF related BAF chromatin remodeling complex subunit ATPase 4; plus strand). Cytogenetic location: 19p13.2.
Variant type: single nucleotide variant.
Coding change: c.4568A>G on transcript NM_003072.5 (MANE Select); coding-DNA position 4568, A replaced by G.
Protein change: p.Asn1523Ser; replaces asparagine 1523 with serine.
Molecular consequence: missense variant. On other transcripts: non-coding transcript variant (1).
Genome position (GRCh38, 1-based): chr19:11,058,822, A>G. VCF-style: chr19-11058822-A-G. GRCh37 (hg19) VCF-style: chr19-11169498-A-G.
Other names: c.4568A>G, p.Asn1523Ser (NM_001128844.3); c.4478A>G, p.Asn1493Ser (NM_001128845.2); c.4475A>G, p.Asn1492Ser (NM_001128846.2); c.4469A>G, p.Asn1490Ser (NM_001128847.4, NM_001374457.1); c.4466A>G, p.Asn1489Ser (NM_001128848.2); c.4664A>G, p.Asn1555Ser (NM_001128849.3, NM_001387283.1); short protein forms N1555S, N1490S, N1523S, N1489S, N1492S, N1493S.
Identifiers: ClinVar variation 470413 (VCV000470413.11), dbSNP rs1555795360, ClinGen allele CA404078819.
Genomic context (GRCh38, chr19:11,058,822, plus strand): 5'-AGACCTGCTCCTCCCGTCCACTGCAGGAGCGCATTCGCAACCACAAGTACCGCAGCCTCA[A>G]CGACCTAGAGAAGGACGTCATGCTCCTGTGCCAGAACGCACAGACCTTCAACCTGGAGGG-3'
Protein context (NP_003063.2, residues 1513-1533): RIRNHKYRSL[Asn1523Ser]DLEKDVMLLC

ClinVar aggregate classification (germline): Conflicting classifications of pathogenicity. Review status: criteria provided, conflicting classifications (1 of 4 stars). 3 submissions from 3 submitters: Uncertain significance (2); Likely benign (1). Last evaluated 2025-10-13.

Conditions:
Hereditary cancer-predisposing syndrome. Also called: Neoplastic Syndromes, Hereditary; Tumor predisposition; Hereditary neoplastic syndrome; Hereditary Cancer Syndrome. Identifiers: Orphanet 140162, MedGen C0027672, MeSH D009386, MONDO:0015356.
Rhabdoid tumor predisposition syndrome 2 (RTPS2). Identifiers: Orphanet 231108, Orphanet 69077, MedGen C2750074, MONDO:0013224, OMIM 613325.

gnomAD v4.1: 1 of 1,614,196 alleles (0.000062%); no homozygotes.

Submissions (3):

Labcorp Genetics (formerly Invitae), Labcorp
Classification: Uncertain significance for Rhabdoid tumor predisposition syndrome 2. Last evaluated: 2025-10-13. Review status: criteria provided, single submitter. Criteria: Invitae Variant Classification Sherloc (09022015). Collection method: clinical testing. Allele origin: germline.
Comment: This sequence change replaces asparagine, which is neutral and polar, with serine, which is neutral and polar, at codon 1555 of the SMARCA4 protein (p.Asn1555Ser). This variant is not present in population databases (gnomAD no frequency). This variant has not been reported in the literature in individuals affected with SMARCA4-related conditions. ClinVar contains an entry for this variant (Variation ID: 470413). Invitae Evidence Modeling of protein sequence and biophysical properties (such as structural, functional, and spatial information, amino acid conservation, physicochemical variation, residue mobility, and thermodynamic stability) indicates that this missense variant is not expected to disrupt SMARCA4 protein function with a negative predictive value of 95%. In summary, the available evidence is currently insufficient to determine the role of this variant in disease. Therefore, it has been classified as a Variant of Uncertain Significance.

Ambry Genetics
Classification: Likely benign for Hereditary cancer-predisposing syndrome. Last evaluated: 2025-02-20. Review status: criteria provided, single submitter. Criteria: Ambry Variant Classification Scheme 2023. Collection method: clinical testing. Allele origin: germline.

GeneDx
Classification: Uncertain significance. Last evaluated: 2023-05-17. Review status: criteria provided, single submitter. Criteria: GeneDx Variant Classification Process June 2021. Collection method: clinical testing. Allele origin: germline.
Comment: Not observed at significant frequency in large population cohorts (gnomAD); In silico analysis supports that this missense variant does not alter protein structure/function; Has not been previously published as pathogenic or benign to our knowledge; Also known as p.(N1523S), c.4568A>G; This variant is associated with the following publications: (PMID: 24658002)